The following is an entry in ClinVar:

NM_001041.4(SI):c.580G>A (p.Val194Ile)

Gene: SI (sucrase-isomaltase; minus strand). Cytogenetic location: 3q26.1.
Variant type: single nucleotide variant.
Coding change: c.580G>A on transcript NM_001041.4 (MANE Select); coding-DNA position 580, G replaced by A.
Protein change: p.Val194Ile; replaces valine 194 with isoleucine.
Molecular consequence: missense variant.
Genome position (GRCh38, 1-based): chr3:165,067,395, C>T on the plus strand (G>A on the coding strand, the complement: SI is on the minus strand). VCF-style: chr3-165067395-C-T. GRCh37 (hg19) VCF-style: chr3-164785183-C-T.
Other names: short protein forms V194I.
Identifiers: ClinVar variation 3686291 (VCV003686291.2).

ClinVar aggregate classification (germline): Uncertain significance (1 of 4 stars; one submission).

gnomAD v4.1: 15 of 1,612,708 alleles (0.00093%); highest among the groups gnomAD compares: South Asian, 0.0033%; no homozygotes.

Submission:

Labcorp Genetics (formerly Invitae), Labcorp
Classification: Uncertain significance. Last evaluated: 2025-01-06. Review status: criteria provided, single submitter. Criteria: Invitae Variant Classification Sherloc (09022015). Collection method: clinical testing. Allele origin: germline.
Comment: This sequence change replaces valine, which is neutral and non-polar, with isoleucine, which is neutral and non-polar, at codon 194 of the SI protein (p.Val194Ile). This variant is present in population databases (rs371768147, gnomAD 0.01%). This variant has not been reported in the literature in individuals affected with SI-related conditions. Invitae Evidence Modeling of protein sequence and biophysical properties (such as structural, functional, and spatial information, amino acid conservation, physicochemical variation, residue mobility, and thermodynamic stability) indicates that this missense variant is not expected to disrupt SI protein function with a negative predictive value of 95%. In summary, the available evidence is currently insufficient to determine the role of this variant in disease. Therefore, it has been classified as a Variant of Uncertain Significance.